The following is an entry in ClinVar:

NM_000376.3(VDR):c.157A>C (p.Lys53Gln)

Gene: VDR (vitamin D receptor; minus strand). Cytogenetic location: 12q13.11.
Variant type: single nucleotide variant.
Coding change: c.157A>C on transcript NM_000376.3 (MANE Select); coding-DNA position 157, A replaced by C.
Protein change: p.Lys53Gln; replaces lysine 53 with glutamine.
Molecular consequence: missense variant.
Genome position (GRCh38, 1-based): chr12:47,865,167, T>G on the plus strand (A>C on the coding strand, the complement: VDR is on the minus strand). VCF-style: chr12-47865167-T-G. GRCh37 (hg19) VCF-style: chr12-48258950-T-G.
Other names: c.157A>C, p.Lys53Gln (NM_001017535.2, NM_001364085.2, NM_001374661.1 and 1 more transcripts); c.307A>C, p.Lys103Gln (NM_001017536.2); short protein forms K103Q, K53Q.
Identifiers: ClinVar variation 3902152 (VCV003902152.1).

ClinVar aggregate classification (germline): Uncertain significance (1 of 4 stars; one submission).

Submission:

Women's Health and Genetics/Laboratory Corporation of America, LabCorp
Classification: Uncertain significance. Last evaluated: 2025-05-19. Review status: criteria provided, single submitter. Criteria: LabCorp Variant Classification Summary - May 2015. Collection method: clinical testing. Allele origin: germline.
Comment: Variant summary: VDR c.157A>C (p.Lys53Gln) results in a conservative amino acid change in the encoded protein sequence. Algorithms developed to predict the effect of missense changes on protein structure and function are either unavailable or do not agree on the potential impact of this missense change. The variant was absent in 249656 control chromosomes. The available data on variant occurrences in the general population are insufficient to allow any conclusion about variant significance. To our knowledge, no occurrence of c.157A>C in individuals affected with Vitamin D-Dependent Rickets Type II With Alopecia and no experimental evidence demonstrating its impact on protein function have been reported. No submitters have cited clinical-significance assessments for this variant to ClinVar. Based on the evidence outlined above, the variant was classified as uncertain significance.